The following is an entry in ClinVar:

NM_003924.4(PHOX2B):c.722_759dup (p.Ala254fs)

Genes: PHOX2B (paired like homeobox 2B; minus strand), LOC110011216 (paired like homeobox 2b polyalanine repeat instability region; plus strand). Cytogenetic location: 4p13.
Variant type: Duplication.
Coding change: c.722_759dup on transcript NM_003924.4 (MANE Select); coding-DNA positions 722 to 759, 38 bases duplicated.
Protein change: p.Ala254fs; shifts the reading frame from alanine 254.
Molecular consequence: frameshift variant.
Genome position (GRCh38, 1-based): chr4:41,745,993-41,746,030, 38 bases duplicated; duplicating any 38 consecutive bases within chr4:41,745,993-41,746,037 gives the same sequence; the c. name uses the placement nearest the transcript's 3' end. GRCh37 (hg19): chr4:41,748,017-41,748,054.
Other names: c.721_758dup38 (NM_003924.3); short protein forms A254fs.
Identifiers: ClinVar variation 1757728 (VCV001757728.3), dbSNP rs1733878065, ClinGen allele CA2580071005.

ClinVar aggregate classification (germline): Pathogenic. Review status: criteria provided, multiple submitters, no conflicts (2 of 4 stars). 2 submissions from 2 submitters: Pathogenic (2). Last evaluated 2022-01-28.

Conditions:
Hereditary cancer-predisposing syndrome. Also called: Hereditary neoplastic syndrome; Tumor predisposition; Neoplastic Syndromes, Hereditary; Hereditary Cancer Syndrome. Identifiers: Orphanet 140162, MedGen C0027672, MeSH D009386, MONDO:0015356.
Central hypoventilation syndrome, congenital, 1, with or without Hirschsprung disease (CCHS1). Also called: CENTRAL HYPOVENTILATION SYNDROME, CONGENITAL, 1; Congenital Central Hypoventilation Syndrome (CCHS); ONDINE CURSE, CONGENITAL; AUTONOMIC CONTROL, CONGENITAL FAILURE OF; Central hypoventilation syndrome, congenital, 1, with or without Hirschsprung. Identifiers: Orphanet 661, MedGen C5562075, MONDO:0800026, OMIM 209880.

Submissions (2):

Department of Human Genetics, Hannover Medical School
Classification: Pathogenic for Central hypoventilation syndrome, congenital, 1, with or without Hirschsprung disease. Last evaluated: 2022-01-28. Review status: criteria provided, single submitter. Criteria: ACMG Guidelines, 2015. Collection method: clinical testing. Allele origin: germline. Inheritance: Autosomal dominant inheritance. Affected: yes.

Ambry Genetics
Classification: Pathogenic for Hereditary cancer-predisposing syndrome. Last evaluated: 2021-06-14. Review status: criteria provided, single submitter. Criteria: Ambry Variant Classification Scheme 2023. Collection method: clinical testing. Allele origin: germline.
Comment: The c.721_758dup38 pathogenic mutation, located in coding exon 3 of the PHOX2B gene, results from a duplication of 38 nucleotides at position 721, causing a translational frameshift with a predicted alternate stop codon. This alteration occurs at the 3' terminus of PHOX2B gene, is not expected to trigger nonsense-mediated mRNA decay, and impacts the last 61 amino acids of the protein. However, premature stop codons are typically deleterious in nature and the impacted region is critical for protein function (Ambry internal data). Based on the supporting evidence, this alteration is interpreted as a disease-causing mutation.